The following is an entry in ClinVar:

ClinVar aggregate classification (germline): Uncertain significance (1 of 4 stars; one submission).

Submission:

Labcorp Genetics (formerly Invitae), Labcorp
Classification: Uncertain significance. Last evaluated: 2024-08-06. Review status: criteria provided, single submitter. Criteria: Invitae Variant Classification Sherloc (09022015). Collection method: clinical testing. Allele origin: germline.
Comment: This sequence change falls in intron 6 of the POLG2 gene. It does not directly change the encoded amino acid sequence of the POLG2 protein. This variant is present in population databases (rs782784078, gnomAD 0.002%). This variant has not been reported in the literature in individuals affected with POLG2-related conditions. This variant is also known as p.Leu402_Phe403insSerPhe*. Experimental studies and prediction algorithms are not available or were not evaluated, and the effect of this variant on mRNA splicing is currently unknown. In summary, the available evidence is currently insufficient to determine the role of this variant in disease. Therefore, it has been classified as a Variant of Uncertain Significance.

NM_007215.4(POLG2):c.1192-8_1207dup

Genes: MILR1 (mast cell immunoglobulin like receptor 1; plus strand), POLG2 (DNA polymerase gamma 2, accessory subunit; minus strand). Cytogenetic location: 17q23.3.
Variant type: Duplication.
Coding change: c.1192-8_1207dup on transcript NM_007215.4 (MANE Select); 8 bases into the intron before coding-DNA position 1192 through coding-DNA position 1207, 24 bases duplicated (CTTTCTAGGTTTGTCAAGGGCTAT).
Molecular consequence: splice acceptor variant.
Genome position (GRCh38, 1-based): chr17:64,480,374-64,480,397, ATAGCCCTTGACAAACCTAGAAAG duplicated on the plus strand (CTTTCTAGGTTTGTCAAGGGCTAT on the coding strand, the reverse complement: POLG2 is on the minus strand); duplicating any 24 consecutive bases within chr17:64,480,374-64,480,398 gives the same sequence; the c. name uses the placement nearest the transcript's 3' end. VCF-style (leftmost placement, unchanged base first): chr17-64480373-A-AATAGCCCTTGACAAACCTAGAAAG. GRCh37 (hg19) VCF-style: chr17-62476490-A-AATAGCCCTTGACAAACCTAGAAAG.
Identifiers: ClinVar variation 3628344 (VCV003628344.2).